The following is an entry in ClinVar:

NM_014669.5(NUP93):c.795-303A>C

Gene: NUP93 (nucleoporin 93; plus strand). Cytogenetic location: 16q13.
Variant type: single nucleotide variant.
Coding change: c.795-303A>C on transcript NM_014669.5 (MANE Select); 303 bases into the intron before coding-DNA position 795, A replaced by C.
Molecular consequence: intron variant.
Genome position (GRCh38, 1-based): chr16:56,828,674, A>C. VCF-style: chr16-56828674-A-C. GRCh37 (hg19) VCF-style: chr16-56862586-A-C.
Other names: c.426-303A>C (NM_001242795.2, NM_001242796.2).
Identifiers: ClinVar variation 4292509 (VCV004292509.1).

ClinVar aggregate classification (germline): Uncertain significance (1 of 4 stars; one submission).

Conditions:
Nephrotic syndrome, type 12 (NPHS12). Identifiers: Orphanet 656, MedGen C4225166, MONDO:0014817, OMIM 616892.

gnomAD v4.1: 85 of 152,364 alleles (0.056%); highest among the groups gnomAD compares: Middle Eastern, 0.34%; no homozygotes.

Submission:

3billion
Classification: Uncertain significance for Nephrotic syndrome, type 12. Last evaluated: 2025-02-28. Review status: criteria provided, single submitter. Criteria: ACMG Guidelines, 2015. Collection method: clinical testing. Allele origin: germline. Affected: yes.
Comment: The variant is observed at an extremely low frequency in the gnomAD v4.1.0 dataset (total allele frequency: 0.056%). Predicted Consequence/Location: Intron variant In silico tools predict the variant to alter splicing and produce an abnormal transcript [SpliceAI: 0.42 (>=0.2, moderate evidence for spliceogenicity)]. Therefore, this variant is classified as VUS according to the recommendation of ACMG/AMP guideline.